The following is an entry in ClinVar:

NM_004006.3(DMD):c.186+243T>C

Gene: DMD (dystrophin; minus strand). Cytogenetic location: Xp21.1.
Variant type: single nucleotide variant.
Coding change: c.186+243T>C on transcript NM_004006.3 (MANE Select); 243 bases into the intron after coding-DNA position 186, T replaced by C.
Molecular consequence: intron variant.
Genome position (GRCh38, 1-based): chrX:32,849,485, A>G on the plus strand (T>C on the coding strand, the complement: DMD is on the minus strand). VCF-style: chrX-32849485-A-G. GRCh37 (hg19) VCF-style: chrX-32867602-A-G.
Other names: c.162+243T>C (NM_000109.4); c.174+243T>C (NM_004009.3); c.-184+243T>C (NM_004010.3).
Identifiers: ClinVar variation 670483 (VCV000670483.1), dbSNP rs989355, ClinGen allele CA328578618.

ClinVar aggregate classification (germline): Benign (1 of 4 stars; one submission).

Allele frequency attached by ClinVar (database versions not stated): 1000 Genomes Project 0.11046; gnomAD 0.11547 and 0.11561; 1000 Genomes Project 30x 0.11717; TOPMed 0.13365.
gnomAD v4.1: 12,925 of 111,716 alleles (12%); highest among the groups gnomAD compares: Admixed American, 23%; 646 homozygotes.

Submission:

GeneDx
Classification: Benign. Last evaluated: 2018-06-16. Review status: criteria provided, single submitter. Criteria: GeneDx Variant Classification (06012015). Collection method: clinical testing. Allele origin: germline. Affected: yes.
Comment: This variant is considered likely benign or benign based on one or more of the following criteria: it is a conservative change, it occurs at a poorly conserved position in the protein, it is predicted to be benign by multiple in silico algorithms, and/or has population frequency not consistent with disease.